The following is an entry in ClinVar:

NM_015836.4(WARS2):c.10C>T (p.His4Tyr)

Genes: WARS2 (tryptophanyl tRNA synthetase 2, mitochondrial; minus strand), WARS2-AS1 (WARS2 antisense RNA 1; plus strand), LOC129931299 (ATAC-STARR-seq lymphoblastoid active region 1590; plus strand). Cytogenetic location: 1p12.
Variant type: single nucleotide variant.
Coding change: c.10C>T on transcript NM_015836.4 (MANE Select); coding-DNA position 10, C replaced by T.
Protein change: p.His4Tyr; replaces histidine 4 with tyrosine.
Molecular consequence: missense variant. On other transcripts: non-coding transcript variant (4), 5 prime UTR variant (3).
Genome position (GRCh38, 1-based): chr1:119,140,635, G>A on the plus strand (C>T on the coding strand, the complement: WARS2 is on the minus strand). VCF-style: chr1-119140635-G-A. GRCh37 (hg19) VCF-style: chr1-119683258-G-A.
Other names: c.-145C>T (NM_001378226.1); c.-336C>T (NM_001378227.1); c.10C>T, p.His4Tyr (NM_001378228.1, NM_001378229.1, NM_001378231.1 and 1 more transcripts); c.-464C>T (NM_001378230.1); c.10C>T (NM_015836.3); short protein forms H4Y.
Identifiers: ClinVar variation 1926744 (VCV001926744.5), dbSNP rs758600141, ClinGen allele CA1035428.

ClinVar aggregate classification (germline): Uncertain significance. Review status: criteria provided, multiple submitters, no conflicts (2 of 4 stars). 2 submissions from 2 submitters: Uncertain significance (2). Last evaluated 2025-04-01.

Conditions:
Inborn genetic diseases. Identifiers: MedGen C0950123, MeSH D030342.

Allele frequency attached by ClinVar (database versions not stated): ExAC 0.00001; TOPMed 0.00005; gnomAD exomes below 0.00001.
gnomAD v4.1: 1 of 1,612,942 alleles (0.000062%); highest among the groups gnomAD compares: African/African-American, 0.0013%; no homozygotes.

Submissions (2):

Ambry Genetics
Classification: Uncertain significance for Inborn genetic diseases. Last evaluated: 2025-04-01. Review status: criteria provided, single submitter. Criteria: Ambry Variant Classification Scheme 2023. Collection method: clinical testing. Allele origin: germline.

Labcorp Genetics (formerly Invitae), Labcorp
Classification: Uncertain significance. Last evaluated: 2023-12-11. Review status: criteria provided, single submitter. Criteria: Invitae Variant Classification Sherloc (09022015). Collection method: clinical testing. Allele origin: germline.
Comment: This sequence change replaces histidine, which is basic and polar, with tyrosine, which is neutral and polar, at codon 4 of the WARS2 protein (p.His4Tyr). This variant is not present in population databases (gnomAD no frequency). This variant has not been reported in the literature in individuals affected with WARS2-related conditions. ClinVar contains an entry for this variant (Variation ID: 1926744). Algorithms developed to predict the effect of missense changes on protein structure and function output the following: SIFT: "Not Available"; PolyPhen-2: "Benign"; Align-GVGD: "Not Available". The tyrosine amino acid residue is found in multiple mammalian species, which suggests that this missense change does not adversely affect protein function. In summary, the available evidence is currently insufficient to determine the role of this variant in disease. Therefore, it has been classified as a Variant of Uncertain Significance.